The following is an entry in ClinVar:

NM_006231.4(POLE):c.910-14_910-10delinsGCCCT

Gene: POLE (DNA polymerase epsilon, catalytic subunit; minus strand). Cytogenetic location: 12q24.33.
Variant type: Indel.
Coding change: c.910-14_910-10delinsGCCCT on transcript NM_006231.4 (MANE Select); 14 bases into the intron before coding-DNA position 910 through 10 bases into the intron before coding-DNA position 910, ATGAA replaced by GCCCT.
Molecular consequence: intron variant.
Genome position (GRCh38, 1-based): chr12:132,676,214-132,676,218, TTCAT replaced by AGGGC on the plus strand (ATGAA replaced by GCCCT on the coding strand, the reverse complement: POLE is on the minus strand). VCF-style: chr12-132676214-TTCAT-AGGGC. GRCh37 (hg19) VCF-style: chr12-133252800-TTCAT-AGGGC.
Identifiers: ClinVar variation 957852 (VCV000957852.9), dbSNP rs2043048321, ClinGen allele CA1139662984.

ClinVar aggregate classification (germline): Uncertain significance (1 of 4 stars; one submission).

Submission:

Labcorp Genetics (formerly Invitae), Labcorp
Classification: Uncertain significance. Last evaluated: 2019-09-26. Review status: criteria provided, single submitter. Criteria: Invitae Variant Classification Sherloc (09022015). Collection method: clinical testing. Allele origin: germline.
Comment: In summary, the available evidence is currently insufficient to determine the role of this variant in disease. Therefore, it has been classified as a Variant of Uncertain Significance. Algorithms developed to predict the effect of sequence changes on RNA splicing suggest that this variant may create or strengthen a splice site, but this prediction has not been confirmed by published transcriptional studies. This variant has not been reported in the literature in individuals with POLE-related conditions. This variant is not present in population databases (ExAC no frequency). This sequence change falls in intron 9 of the POLE gene. It does not directly change the encoded amino acid sequence of the POLE protein.